The following is an entry in ClinVar:

NM_001458.5(FLNC):c.3638A>G (p.His1213Arg)

Gene: FLNC (filamin C; plus strand). Cytogenetic location: 7q32.1.
Variant type: single nucleotide variant.
Coding change: c.3638A>G on transcript NM_001458.5 (MANE Select); coding-DNA position 3638, A replaced by G.
Protein change: p.His1213Arg; replaces histidine 1213 with arginine.
Molecular consequence: missense variant.
Genome position (GRCh38, 1-based): chr7:128,845,103, A>G. VCF-style: chr7-128845103-A-G. GRCh37 (hg19) VCF-style: chr7-128485157-A-G.
Other names: c.3638A>G, p.His1213Arg (NM_001127487.2); short protein forms H1213R.
Identifiers: ClinVar variation 3748370 (VCV003748370.2).

ClinVar aggregate classification (germline): Uncertain significance (1 of 4 stars; one submission).

Conditions:
Hypertrophic cardiomyopathy 26. Also called: Cardiomyopathy, familial hypertrophic, 26. Identifiers: Orphanet 75249, MedGen C4310749, MONDO:0014883, OMIM 617047.
Myofibrillar myopathy 5. Also called: Filaminopathy (type); FILAMINOPATHY, AUTOSOMAL DOMINANT. Identifiers: Orphanet 171445, MedGen C1836050, MONDO:0012289, OMIM 609524.
Distal myopathy with posterior leg and anterior hand involvement. Also called: WILLIAMS DISTAL MYOPATHY. Identifiers: Orphanet 63273, MedGen C3279722, MONDO:0013550, OMIM 614065.

Submission:

Labcorp Genetics (formerly Invitae), Labcorp
Classification: Uncertain significance for Distal myopathy with posterior leg and anterior hand involvement; Myofibrillar myopathy 5; Hypertrophic cardiomyopathy 26. Last evaluated: 2025-07-02. Review status: criteria provided, single submitter. Criteria: Invitae Variant Classification Sherloc (09022015). Collection method: clinical testing. Allele origin: germline.
Comment: This sequence change replaces histidine, which is basic and polar, with arginine, which is basic and polar, at codon 1213 of the FLNC protein (p.His1213Arg). This variant is not present in population databases (gnomAD no frequency). This variant has not been reported in the literature in individuals affected with FLNC-related conditions. ClinVar contains an entry for this variant (Variation ID: 3748370). Invitae Evidence Modeling of protein sequence and biophysical properties (such as structural, functional, and spatial information, amino acid conservation, physicochemical variation, residue mobility, and thermodynamic stability) has been performed for this missense variant. However, the output from this modeling did not meet the statistical confidence thresholds required to predict the impact of this variant on FLNC protein function. In summary, the available evidence is currently insufficient to determine the role of this variant in disease. Therefore, it has been classified as a Variant of Uncertain Significance.